The following is an entry in ClinVar:

ClinVar aggregate classification (germline): Likely pathogenic (1 of 4 stars; one submission).

Submission:

GeneDx
Classification: Likely pathogenic. Last evaluated: 2019-03-18. Review status: criteria provided, single submitter. Criteria: GeneDx Variant Classification (06012015). Collection method: clinical testing. Allele origin: germline. Affected: yes.
Comment: The c.346dupC variant in the MGAT2 gene has not been reported previously as a pathogenic variant nor as a benign variant, to our knowledge. The c.346dupC variant causes a frameshift starting with codon Arginine 116, changes this amino acid to a Proline residue, and creates a premature Stop codon at position 11 of the new reading frame, denoted p.Arg116ProfsX11. This variant is predicted to cause loss of normal protein function either through protein truncation or nonsense-mediated mRNA decay. The c.346dupC variant is not observed in large population cohorts (Lek et al., 2016). We interpret c.346dupC as a likely pathogenic variant.

NM_002408.4(MGAT2):c.346dup (p.Arg116fs)

Gene: MGAT2 (alpha-1,6-mannosyl-glycoprotein 2-beta-N-acetylglucosaminyltransferase; plus strand). Cytogenetic location: 14q21.3.
Variant type: Duplication.
Coding change: c.346dup on transcript NM_002408.4 (MANE Select); coding-DNA position 346, one base duplicated (C; older notation c.346dupC).
Protein change: p.Arg116fs; shifts the reading frame from arginine 116.
Molecular consequence: frameshift variant.
Genome position (GRCh38, 1-based): chr14:49,621,614, C duplicated; the last of 6 consecutive C bases (chr14:49,621,609-49,621,614); duplicating any one gives the same sequence. VCF-style (leftmost placement, unchanged base first): chr14-49621608-G-GC. GRCh37 (hg19) VCF-style: chr14-50088326-G-GC.
Other names: short protein forms R116fs.
Identifiers: ClinVar variation 817419 (VCV000817419.1), dbSNP rs748791502, ClinGen allele CA7172526.
Genomic context (GRCh38, chr14:49,621,608, plus strand): 5'-CTGGTGTACCAGCTGAACTTTGATCAGACCCTGAGGAATGTAGATAAGGCTGGCACCTGG[G>GC]CCCCCCGGGAGCTGGTGCTGGTGGTCCAGGTGCATAACCGGCCCGAATACCTCAGACTGC-3'